The following is an entry in ClinVar:

ClinVar aggregate classification (germline): Uncertain significance. Review status: criteria provided, multiple submitters, no conflicts (2 of 4 stars). 3 submissions from 3 submitters: Uncertain significance (3). Last evaluated 2023-04-11.

Conditions:
Developmental and epileptic encephalopathy, 18 (DEE18). Also called: Early infantile epileptic encephalopathy 18. Identifiers: Orphanet 369894, MedGen C3809624, MONDO:0014201, OMIM 615476.

Allele frequency attached by ClinVar (database versions not stated): gnomAD 0.00002 and 0.00003; gnomAD exomes 0.00002 and 0.00004; TOPMed 0.00002; ExAC 0.00004; 1000 Genomes Project 30x 0.00016; 1000 Genomes Project 0.00020.
gnomAD v4.1: 34 of 1,613,776 alleles (0.0021%); highest among the groups gnomAD compares: East Asian, 0.027%; no homozygotes.

Submissions (3):

Genome-Nilou Lab
Classification: Uncertain significance for Developmental and epileptic encephalopathy, 18. Last evaluated: 2023-04-11. Review status: criteria provided, single submitter. Criteria: ACMG Guidelines, 2015. Collection method: clinical testing. Allele origin: germline. Affected: no.

Labcorp Genetics (formerly Invitae), Labcorp
Classification: Uncertain significance. Last evaluated: 2022-04-30. Review status: criteria provided, single submitter. Criteria: Invitae Variant Classification Sherloc (09022015). Collection method: clinical testing. Allele origin: germline.
Comment: This sequence change replaces arginine, which is basic and polar, with glutamine, which is neutral and polar, at codon 3019 of the SZT2 protein (p.Arg3019Gln). This variant is present in population databases (rs201132575, gnomAD 0.05%). This variant has not been reported in the literature in individuals affected with SZT2-related conditions. ClinVar contains an entry for this variant (Variation ID: 844086). Algorithms developed to predict the effect of missense changes on protein structure and function output the following: SIFT: "Tolerated"; PolyPhen-2: "Benign"; Align-GVGD: "Class C0". The glutamine amino acid residue is found in multiple mammalian species, which suggests that this missense change does not adversely affect protein function. In summary, the available evidence is currently insufficient to determine the role of this variant in disease. Therefore, it has been classified as a Variant of Uncertain Significance.

GeneDx
Classification: Uncertain significance. Last evaluated: 2020-12-09. Review status: criteria provided, single submitter. Criteria: GeneDx Variant Classification Process June 2021. Collection method: clinical testing. Allele origin: germline. Affected: yes.
Comment: In silico analysis, which includes protein predictors and evolutionary conservation, supports that this variant does not alter protein structure/function; Has not been previously published as pathogenic or benign to our knowledge

NM_001365999.1(SZT2):c.9227G>A (p.Arg3076Gln)

Gene: SZT2 (SZT2 subunit of KICSTOR complex; plus strand). Cytogenetic location: 1p34.2.
Variant type: single nucleotide variant.
Coding change: c.9227G>A on transcript NM_001365999.1 (MANE Select); coding-DNA position 9227, G replaced by A.
Protein change: p.Arg3076Gln; replaces arginine 3076 with glutamine.
Molecular consequence: missense variant.
Genome position (GRCh38, 1-based): chr1:43,447,109, G>A. VCF-style: chr1-43447109-G-A. GRCh37 (hg19) VCF-style: chr1-43912780-G-A.
Other names: c.9056G>A, p.Arg3019Gln (NM_015284.4); short protein forms R3019Q, R3076Q.
Identifiers: ClinVar variation 844086 (VCV000844086.9), dbSNP rs201132575, ClinGen allele CA810850.